The following is an entry in ClinVar:

ClinVar aggregate classification (germline): Uncertain significance (1 of 4 stars; one submission).

Conditions:
Dystonia 12 (DYT12). Also called: DYT-ATP1A3; Rapid-Onset Dystonia-Parkinsonism (RDP). Identifiers: Orphanet 71517, MedGen C1868681, MONDO:0007496, OMIM 128235.

Allele frequency attached by ClinVar (database versions not stated): gnomAD exomes below 0.00001.
gnomAD v4.1: 3 of 1,614,006 alleles (0.00019%); highest among the groups gnomAD compares: Non-Finnish European, 0.00017%; no homozygotes.

Submission:

Centre for Mendelian Genomics, University Medical Centre Ljubljana
Classification: Uncertain significance for Dystonia 12. Last evaluated: 2019-01-10. Review status: criteria provided, single submitter. Criteria: ACMG Guidelines, 2015. Collection method: clinical testing. Allele origin: unknown. Affected: yes.
Comment: This variant was classified as: Uncertain significance. The available evidence on this variant's pathogenicity is insufficient or conflicting. The following ACMG criteria were applied in classifying this variant: PM2.

NM_152296.5(ATP1A3):c.2835C>A (p.Ile945=)

Gene: ATP1A3 (ATPase Na+/K+ transporting subunit alpha 3; minus strand). Cytogenetic location: 19q13.2.
Variant type: single nucleotide variant.
Coding change: c.2835C>A on transcript NM_152296.5 (MANE Select); coding-DNA position 2835, C replaced by A.
Protein change: p.Ile945=; no amino-acid change (isoleucine 945 retained).
Molecular consequence: synonymous variant.
Genome position (GRCh38, 1-based): chr19:41,967,748, G>T on the plus strand (C>A on the coding strand, the complement: ATP1A3 is on the minus strand). VCF-style: chr19-41967748-G-T. GRCh37 (hg19) VCF-style: chr19-42471900-G-T.
Other names: c.2868C>A, p.Ile956= (NM_001256213.2); c.2874C>A, p.Ile958= (NM_001256214.2).
Identifiers: ClinVar variation 930344 (VCV000930344.3), dbSNP rs2075059472, ClinGen allele CA507580788.